The following is an entry in ClinVar:

NM_002184.4(IL6ST):c.1790A>T (p.Asp597Val)

Gene: IL6ST (interleukin 6 cytokine family signal transducer; minus strand). Cytogenetic location: 5q11.2.
Variant type: single nucleotide variant.
Coding change: c.1790A>T on transcript NM_002184.4 (MANE Select); coding-DNA position 1790, A replaced by T.
Protein change: p.Asp597Val; replaces aspartic acid 597 with valine.
Molecular consequence: missense variant. On other transcripts: 3 prime UTR variant (1), non-coding transcript variant (2).
Genome position (GRCh38, 1-based): chr5:55,951,514, T>A on the plus strand (A>T on the coding strand, the complement: IL6ST is on the minus strand). VCF-style: chr5-55951514-T-A. GRCh37 (hg19) VCF-style: chr5-55247342-T-A.
Other names: c.1607A>T, p.Asp536Val (NM_001190981.2); c.1688A>T, p.Asp563Val (NM_001364275.2); c.1580A>T, p.Asp527Val (NM_001364276.2); c.923A>T, p.Asp308Val (NM_001364277.2); c.887A>T, p.Asp296Val (NM_001364278.2); c.794A>T, p.Asp265Val (NM_001364279.2); c.*717A>T (NM_175767.3); short protein forms D527V, D536V, D265V, D563V, D597V, D296V, D308V.
Identifiers: ClinVar variation 3729150 (VCV003729150.2).

ClinVar aggregate classification (germline): Uncertain significance (1 of 4 stars; one submission).

gnomAD v4.1: 3 of 1,613,020 alleles (0.00019%); highest among the groups gnomAD compares: African/African-American, 0.0013%; no homozygotes.

Submission:

Labcorp Genetics (formerly Invitae), Labcorp
Classification: Uncertain significance. Last evaluated: 2025-02-02. Review status: criteria provided, single submitter. Criteria: Invitae Variant Classification Sherloc (09022015). Collection method: clinical testing. Allele origin: germline.
Comment: This sequence change replaces aspartic acid, which is acidic and polar, with valine, which is neutral and non-polar, at codon 597 of the IL6ST protein (p.Asp597Val). The frequency data for this variant in the population databases is considered unreliable, as metrics indicate poor data quality at this position in the gnomAD database. This variant has not been reported in the literature in individuals affected with IL6ST-related conditions. An algorithm developed to predict the effect of missense changes on protein structure and function (PolyPhen-2) suggests that this variant is likely to be tolerated. In summary, the available evidence is currently insufficient to determine the role of this variant in disease. Therefore, it has been classified as a Variant of Uncertain Significance.